The following is an entry in ClinVar:

NM_015100.4(POGZ):c.2075C>T (p.Ala692Val)

Gene: POGZ (pogo transposable element derived with ZNF domain; minus strand). Cytogenetic location: 1q21.3.
Variant type: single nucleotide variant.
Coding change: c.2075C>T on transcript NM_015100.4 (MANE Select); coding-DNA position 2075, C replaced by T.
Protein change: p.Ala692Val; replaces alanine 692 with valine.
Molecular consequence: missense variant.
Genome position (GRCh38, 1-based): chr1:151,408,568, G>A on the plus strand (C>T on the coding strand, the complement: POGZ is on the minus strand). VCF-style: chr1-151408568-G-A. GRCh37 (hg19) VCF-style: chr1-151381044-G-A.
Other names: c.2048C>T, p.Ala683Val (NM_001194937.2); c.1889C>T, p.Ala630Val (NM_001194938.2); c.2096C>T, p.Ala699Val (NM_001410860.1); c.1790C>T, p.Ala597Val (NM_145796.4); c.1916C>T, p.Ala639Val (NM_207171.2); short protein forms A597V, A630V, A639V, A683V, A692V, A699V.
Identifiers: ClinVar variation 1707022 (VCV001707022.2), dbSNP rs2529245483, ClinGen allele CA341957310.

ClinVar aggregate classification (germline): Uncertain significance (1 of 4 stars; one submission).

Submission:

GeneDx
Classification: Uncertain significance. Last evaluated: 2022-03-22. Review status: criteria provided, single submitter. Criteria: GeneDx Variant Classification Process June 2021. Collection method: clinical testing. Allele origin: germline. Affected: yes.
Comment: Not observed at significant frequency in large population cohorts (gnomAD); In silico analysis supports that this missense variant has a deleterious effect on protein structure/function; Has not been previously published as pathogenic or benign to our knowledge